The following is an entry in ClinVar:

ClinVar aggregate classification (germline): Benign. Review status: criteria provided, multiple submitters, no conflicts (2 of 4 stars). 2 submissions from 2 submitters: Benign (2). Last evaluated 2022-05-02.

Allele frequency attached by ClinVar (database versions not stated): gnomAD exomes 0.00006; ExAC 0.00017; gnomAD 0.00027 and 0.00031; ESP Exome Variant Server 0.00031; TOPMed 0.00038.
gnomAD v4.1: 78 of 1,549,952 alleles (0.005%); highest among the groups gnomAD compares: African/African-American, 0.1%; no homozygotes.

Submissions (2):

Blueprint Genetics
Classification: Benign. Last evaluated: 2022-05-02. Review status: criteria provided, single submitter. Criteria: ACMG Guidelines, 2015. Collection method: clinical testing. Allele origin: germline.

GeneDx
Classification: Benign. Last evaluated: 2015-04-02. Review status: criteria provided, single submitter. Criteria: GeneDx Variant Classification (06012015). Collection method: clinical testing. Allele origin: germline. Affected: yes.
Comment: This variant is considered likely benign or benign based on one or more of the following criteria: it is a conservative change, it occurs at a poorly conserved position in the protein, it is predicted to be benign by multiple in silico algorithms, and/or has population frequency not consistent with disease.

NM_025219.3(DNAJC5):c.*13C>G

Gene: DNAJC5 (DnaJ heat shock protein family (Hsp40) member C5; plus strand). Cytogenetic location: 20q13.33.
Variant type: single nucleotide variant.
Coding change: c.*13C>G on transcript NM_025219.3 (MANE Select); 13 bases downstream of the stop codon, C replaced by G.
Molecular consequence: 3 prime UTR variant.
Genome position (GRCh38, 1-based): chr20:63,931,581, C>G. VCF-style: chr20-63931581-C-G. GRCh37 (hg19) VCF-style: chr20-62562934-C-G.
Identifiers: ClinVar variation 377783 (VCV000377783.2), dbSNP rs370517092, ClinGen allele CA9969819.